The following is an entry in ClinVar:

NM_001034853.2(RPGR):c.3204G>A (p.Lys1068=)

Gene: RPGR (retinitis pigmentosa GTPase regulator; minus strand). Cytogenetic location: Xp11.4.
Variant type: single nucleotide variant.
Coding change: c.3204G>A on transcript NM_001034853.2 (MANE Select); coding-DNA position 3204, G replaced by A.
Protein change: p.Lys1068=; no amino-acid change (lysine 1068 retained).
Molecular consequence: synonymous variant. On other transcripts: intron variant (8).
Genome position (GRCh38, 1-based): chrX:38,285,795, C>T on the plus strand (G>A on the coding strand, the complement: RPGR is on the minus strand). VCF-style: chrX-38285795-C-T. GRCh37 (hg19) VCF-style: chrX-38145048-C-T.
Other names: c.3204G>A (NM_001034853.1); c.1569+5164G>A (NM_001367249.1, NM_001367250.1); c.1902+1299G>A (NM_001367245.1); c.1386+5164G>A (NM_001367251.1); c.1719+1299G>A (NM_001367246.1); c.1572+5164G>A (NM_001367247.1); c.1905+1299G>A (NM_000328.3); c.1602+5164G>A (NM_001367248.1).
Identifiers: ClinVar variation 1989514 (VCV001989514.6), dbSNP rs766253895, ClinGen allele CA10385173.

ClinVar aggregate classification (germline): Likely benign. Review status: criteria provided, multiple submitters, no conflicts (2 of 4 stars). 3 submissions from 3 submitters: Likely benign (3). Last evaluated 2026-01-22.

Conditions:
Primary ciliary dyskinesia. Also called: Ciliary dyskinesia. Identifiers: Orphanet 244, MedGen C0008780, MONDO:0016575, HP:0012265.
RPGR-related disorder. Also called: RPGR-related condition.

Allele frequency attached by ClinVar (database versions not stated): gnomAD 0.00006; ExAC 0.00007; gnomAD exomes 0.00020.
gnomAD v4.1: 227 of 1,200,166 alleles (0.019%); highest among the groups gnomAD compares: Non-Finnish European, 0.024%; no homozygotes.

Submissions (3):

Labcorp Genetics (formerly Invitae), Labcorp
Classification: Likely benign for Primary ciliary dyskinesia. Last evaluated: 2026-01-22. Review status: criteria provided, single submitter. Criteria: Invitae Variant Classification Sherloc (09022015). Collection method: clinical testing. Allele origin: germline.

PreventionGenetics, part of Exact Sciences
Classification: Likely benign for RPGR-related condition. Last evaluated: 2025-09-12. Review status: criteria provided, single submitter. Criteria: ACMG Guidelines, 2015. Collection method: clinical testing. Allele origin: germline.
Comment: This variant is classified as likely benign based on ACMG/AMP sequence variant interpretation guidelines (Richards et al. 2015 PMID: 25741868, with internal and published modifications).

Blueprint Genetics
Classification: Likely benign. Last evaluated: 2024-07-10. Review status: criteria provided, single submitter. Criteria: ACMG Guidelines, 2015. Collection method: clinical testing. Allele origin: germline.